The following is an entry in ClinVar:

ClinVar aggregate classification (germline): Uncertain significance (1 of 4 stars; one submission).

Conditions:
Hypertrophic cardiomyopathy. Also called: HYPERTROPHIC MYOCARDIOPATHY. Identifiers: Orphanet 217569, MedGen C0007194, MeSH D002312, MONDO:0005045, HP:0001639.

gnomAD v4.1: 1 of 1,613,770 alleles (0.000062%); highest among the groups gnomAD compares: Admixed American, 0.0017%; no homozygotes.

Submission:

All of Us Research Program, National Institutes of Health
Classification: Uncertain significance for Hypertrophic cardiomyopathy. Last evaluated: 2024-04-16. Review status: criteria provided, single submitter. Criteria: ACMG Guidelines, 2015. Collection method: clinical testing. Allele origin: germline. Inheritance: Autosomal dominant inheritance. Observed: 1 variant allele, 1 heterozygote.
Comment: This missense variant replaces isoleucine with threonine at codon 147 of the PRKAG2 protein. Computational prediction is inconclusive regarding the impact of this variant on protein structure and function (internally defined REVEL score threshold 0.5 < inconclusive < 0.7, PMID: 27666373). To our knowledge, functional studies have not been reported for this variant. This variant has not been reported in individuals affected with PRKAG2-related disorders in the literature. This variant has not been identified in the general population by the Genome Aggregation Database (gnomAD). The available evidence is insufficient to determine the role of this variant in disease conclusively. Therefore, this variant is classified as a Variant of Uncertain Significance.

This study involves interpretation of variants in research participants for the purpose of population health screening. Participant phenotype was not available at the time of variant classification. Additional details can be found in publication PMID: 35346344, PMCID: PMC8962531

NM_016203.4(PRKAG2):c.440T>C (p.Ile147Thr)

Gene: PRKAG2 (protein kinase AMP-activated non-catalytic subunit gamma 2; minus strand). Cytogenetic location: 7q36.1.
Variant type: single nucleotide variant.
Coding change: c.440T>C on transcript NM_016203.4 (MANE Select); coding-DNA position 440, T replaced by C.
Protein change: p.Ile147Thr; replaces isoleucine 147 with threonine.
Molecular consequence: missense variant. On other transcripts: intron variant (1).
Genome position (GRCh38, 1-based): chr7:151,781,178, A>G on the plus strand (T>C on the coding strand, the complement: PRKAG2 is on the minus strand). VCF-style: chr7-151781178-A-G. GRCh37 (hg19) VCF-style: chr7-151478264-A-G.
Other names: c.308T>C, p.Ile103Thr (NM_001040633.2, NM_001407024.1, NM_001407026.1 and 2 more transcripts); c.440T>C, p.Ile147Thr (NM_001407021.1, NM_001407022.1, NM_001407023.1 and 2 more transcripts); c.148+33238T>C (NM_001407032.1); short protein forms I103T, I147T.
Identifiers: ClinVar variation 3387539 (VCV003387539.1).